The following is an entry in ClinVar:

NM_001204.7(BMPR2):c.2995G>C (p.Glu999Gln)

Gene: BMPR2 (bone morphogenetic protein receptor type 2; plus strand). Cytogenetic location: 2q33.2.
Variant type: single nucleotide variant.
Coding change: c.2995G>C on transcript NM_001204.7 (MANE Select); coding-DNA position 2995, G replaced by C.
Protein change: p.Glu999Gln; replaces glutamic acid 999 with glutamine.
Molecular consequence: missense variant.
Genome position (GRCh38, 1-based): chr2:202,559,824, G>C. VCF-style: chr2-202559824-G-C. GRCh37 (hg19) VCF-style: chr2-203424547-G-C.
Other names: short protein forms E999Q.
Identifiers: ClinVar variation 3824807 (VCV003824807.1).

ClinVar aggregate classification (germline): Uncertain significance (1 of 4 stars; one submission).

Conditions:
Inborn genetic diseases. Identifiers: MedGen C0950123, MeSH D030342.

Submission:

Ambry Genetics
Classification: Uncertain significance for Inborn genetic diseases. Last evaluated: 2025-01-03. Review status: criteria provided, single submitter. Criteria: Ambry Variant Classification Scheme 2023. Collection method: clinical testing. Allele origin: germline.
Comment: The p.E999Q variant (also known as c.2995G>C), located in coding exon 13 of the BMPR2 gene, results from a G to C substitution at nucleotide position 2995. The glutamic acid at codon 999 is replaced by glutamine, an amino acid with highly similar properties. This amino acid position is conserved. In addition, the in silico prediction for this alteration is inconclusive. Based on the available evidence, the clinical significance of this variant remains unclear.